The following is an entry in ClinVar:

NM_006218.4(PIK3CA):c.1570A>G (p.Arg524Gly)

Gene: PIK3CA (phosphatidylinositol-4,5-bisphosphate 3-kinase catalytic subunit alpha; plus strand). Cytogenetic location: 3q26.32.
Variant type: single nucleotide variant.
Coding change: c.1570A>G on transcript NM_006218.4 (MANE Select); coding-DNA position 1570, A replaced by G.
Protein change: p.Arg524Gly; replaces arginine 524 with glycine.
Molecular consequence: missense variant.
Genome position (GRCh38, 1-based): chr3:179,218,240, A>G. VCF-style: chr3-179218240-A-G. GRCh37 (hg19) VCF-style: chr3-178936028-A-G.
Other names: short protein forms R524G.
Identifiers: ClinVar variation 3418522 (VCV003418522.1).

ClinVar aggregate classification (germline): Uncertain significance (1 of 4 stars; one submission).

Conditions:
Inborn genetic diseases. Identifiers: MedGen C0950123, MeSH D030342.

Submission:

Ambry Genetics
Classification: Uncertain significance for Inborn genetic diseases. Last evaluated: 2024-08-21. Review status: criteria provided, single submitter. Criteria: Ambry Variant Classification Scheme 2023. Collection method: clinical testing. Allele origin: germline.
Comment: The p.R524G variant (also known as c.1570A>G), located in coding exon 9 of the PIK3CA gene, results from an A to G substitution at nucleotide position 1570. The arginine at codon 524 is replaced by glycine, an amino acid with dissimilar properties. This amino acid position is conserved. In addition, this alteration is predicted to be tolerated by in silico analysis. Based on the available evidence, the clinical significance of this variant remains unclear.